The following is an entry in ClinVar:

ClinVar aggregate classification (germline): Pathogenic. Review status: criteria provided, single submitter (1 of 4 stars). 2 submissions from 2 submitters: Pathogenic (1). 1 of the submissions does not count toward it. Last evaluated 2024-02-08.

Conditions:
Early-infantile DEE. Also called: Early infantile epileptic encephalopathy with suppression bursts; Ohtahara syndrome; Early infantile epileptic encephalopathy. Identifiers: Orphanet 1934, MedGen C0393706, MONDO:0800491.
Seizures, benign familial neonatal, 1. Also called: Benign Neonatal Epilepsy 1; KCNQ2-Related Benign Familial Neonatal Epilepsy; KCNQ2-Related Self-Limited Familial Neonatal Epilepsy (SLFNE); Seizures, benign neonatal, 1. Identifiers: Orphanet 1949, MedGen C3149074, MONDO:0007365, OMIM 121200.

Submissions (2):

Labcorp Genetics (formerly Invitae), Labcorp
Classification: Pathogenic for Early-infantile DEE. Last evaluated: 2024-02-08. Review status: criteria provided, single submitter. Criteria: Invitae Variant Classification Sherloc (09022015). Collection method: clinical testing. Allele origin: germline.
Comment: This sequence change replaces valine, which is neutral and non-polar, with glycine, which is neutral and non-polar, at codon 250 of the KCNQ2 protein (p.Val250Gly). This variant is not present in population databases (gnomAD no frequency). This missense change has been observed in individual(s) with clinical features of benign familial neonatal seizures or early infantile epileptic encephalopathy (PMID: 11690625; Invitae). In at least one individual the variant was observed to be de novo. ClinVar contains an entry for this variant (Variation ID: 21800). Advanced modeling of protein sequence and biophysical properties (such as structural, functional, and spatial information, amino acid conservation, physicochemical variation, residue mobility, and thermodynamic stability) performed at Invitae indicates that this missense variant is expected to disrupt KCNQ2 protein function with a positive predictive value of 95%. For these reasons, this variant has been classified as Pathogenic.

GeneReviews
No classification provided. Condition: Seizures, benign familial neonatal, 1. Review status: no classification provided. Collection method: literature only. Allele origin: germline. Affected: yes. Not counted in ClinVar's aggregate classification.
Comment: Uncertain severity

Literature cited by the submitters: PubMed 11690625 (cited by Labcorp Genetics (formerly Invitae), Labcorp and GeneReviews); NCBI Bookshelf NBK32534 (cited by GeneReviews).

NM_172107.4(KCNQ2):c.749T>G (p.Val250Gly)

Gene: KCNQ2 (potassium voltage-gated channel subfamily Q member 2; minus strand). Cytogenetic location: 20q13.33.
Variant type: single nucleotide variant.
Coding change: c.749T>G on transcript NM_172107.4 (MANE Select); coding-DNA position 749, T replaced by G.
Protein change: p.Val250Gly; replaces valine 250 with glycine.
Molecular consequence: missense variant.
Genome position (GRCh38, 1-based): chr20:63,442,473, A>C on the plus strand (T>G on the coding strand, the complement: KCNQ2 is on the minus strand). VCF-style: chr20-63442473-A-C. GRCh37 (hg19) VCF-style: chr20-62073826-A-C.
Other names: c.749T>G, p.Val250Gly (NM_004518.6, NM_172106.3, NM_172108.5 and 1 more transcripts); short protein forms V250G.
Identifiers: ClinVar variation 21800 (VCV000021800.12), dbSNP rs118192206, ClinGen allele CA342528.